The following is an entry in ClinVar:

NM_006947.4(SRP72):c.1686G>T (p.Leu562Phe)

Gene: SRP72 (signal recognition particle 72; plus strand). Cytogenetic location: 4q12.
Variant type: single nucleotide variant.
Coding change: c.1686G>T on transcript NM_006947.4 (MANE Select); coding-DNA position 1686, G replaced by T.
Protein change: p.Leu562Phe; replaces leucine 562 with phenylalanine.
Molecular consequence: missense variant. On other transcripts: non-coding transcript variant (1).
Genome position (GRCh38, 1-based): chr4:56,500,543, G>T. VCF-style: chr4-56500543-G-T. GRCh37 (hg19) VCF-style: chr4-57366709-G-T.
Other names: c.1503G>T, p.Leu501Phe (NM_001267722.2); short protein forms L562F, L501F.
Identifiers: ClinVar variation 4174936 (VCV004174936.1).

ClinVar aggregate classification (germline): Uncertain significance (1 of 4 stars; one submission).

Submission:

Ambry Genetics
Classification: Uncertain significance. Last evaluated: 2025-07-18. Review status: criteria provided, single submitter. Criteria: Ambry Variant Classification Scheme 2023. Collection method: clinical testing. Allele origin: germline.
Comment: The p.L562F variant (also known as c.1686G>T), located in coding exon 18 of the SRP72 gene, results from a G to T substitution at nucleotide position 1686. The leucine at codon 562 is replaced by phenylalanine, an amino acid with highly similar properties. This amino acid position is conserved. In addition, the in silico prediction for this alteration is inconclusive. Based on the available evidence, the clinical significance of this variant remains unclear.